The following is an entry in ClinVar:

NM_014754.3(PTDSS1):c.421A>G (p.Thr141Ala)

Gene: PTDSS1 (phosphatidylserine synthase 1; plus strand). Cytogenetic location: 8q22.1.
Variant type: single nucleotide variant.
Coding change: c.421A>G on transcript NM_014754.3 (MANE Select); coding-DNA position 421, A replaced by G.
Protein change: p.Thr141Ala; replaces threonine 141 with alanine.
Molecular consequence: missense variant. On other transcripts: intron variant (1).
Genome position (GRCh38, 1-based): chr8:96,287,126, A>G. VCF-style: chr8-96287126-A-G. GRCh37 (hg19) VCF-style: chr8-97299354-A-G.
Other names: c.4-7972A>G (NM_001290225.2); short protein forms T141A.
Identifiers: ClinVar variation 383736 (VCV000383736.2), dbSNP rs1057521718, ClinGen allele CA16606178.
Genomic context (GRCh38, chr8:96,287,126, plus strand): 5'-CTGAATTTCGAGCAGGTTAAATCTCTAATGTATTGGCTAGATCCAAATCTTCGATACGCC[A>G]CAAGGGAAGCAGATGTCATGGTATGTACTTGTCAGTGGCCTCTTGGAGAAACTCGTAGAC-3'
Protein context (NP_055569.1, residues 131-151): YWLDPNLRYA[Thr141Ala]READVMEYAV

ClinVar aggregate classification (germline): Likely pathogenic (1 of 4 stars; one submission).

Submission:

GeneDx
Classification: Likely pathogenic. Last evaluated: 2016-03-01. Review status: criteria provided, single submitter. Criteria: GeneDx Variant Classification (06012015). Collection method: clinical testing. Allele origin: germline. Affected: yes.
Comment: The T141A variant in the PTDSS1 gene has not been reported previously as a pathogenic variant, nor as a benign variant, to our knowledge. The T141A variant was not observed in approximately 6500 individuals of European and African American ancestry in the NHLBI Exome Sequencing Project, indicating it is not a common benign variant in these populations. The T141A variant is a non-conservative amino acid substitution, which is likely to impact secondary protein structure as these residues differ in polarity, charge, size and/or other properties. In addition, this substitution occurs at a position that is conserved across mammalian species. However, in silico analysis is inconsistent in its predictions as to whether or not the variant is damaging to the protein structure/function. The T141A variant is a strong candidate for a pathogenic variant, however the possibility it may be a rare benign variant cannot be excluded.